The following is an entry in ClinVar:

ClinVar aggregate classification (germline): Pathogenic/Likely pathogenic. Review status: criteria provided, multiple submitters, no conflicts (2 of 4 stars). 2 submissions from 2 submitters: Pathogenic (1); Likely pathogenic (1). Last evaluated 2025-05-14.

Conditions:
IFT172-related disorder. Also called: IFT172-related condition; IFT172-related disorders.
Short-rib thoracic dysplasia 10 with or without polydactyly (SRTD10). Identifiers: Orphanet 474, MedGen C3810175, MONDO:0014284, OMIM 615630.
Retinitis pigmentosa 71 (RP71). Identifiers: Orphanet 791, MedGen C4225342, MONDO:0014618, OMIM 616394.

Allele frequency attached by ClinVar (database versions not stated): gnomAD exomes below 0.00001.
gnomAD v4.1: 1 of 1,614,052 alleles (0.000062%); highest among the groups gnomAD compares: Non-Finnish European, 0.000085%; no homozygotes.

Submissions (2):

PreventionGenetics, part of Exact Sciences
Classification: Likely pathogenic for IFT172-related condition. Last evaluated: 2025-05-14. Review status: criteria provided, single submitter. Criteria: ACMG Guidelines, 2015. Collection method: clinical testing. Allele origin: germline.
Comment: The IFT172 c.2209G>T variant is predicted to result in premature protein termination (p.Glu737*). To our knowledge, this variant has not been reported in the literature, or in a large population database (gnomAD), indicating this variant is rare. Nonsense variants in IFT172 are expected to be pathogenic. This variant is interpreted as likely pathogenic.

Labcorp Genetics (formerly Invitae), Labcorp
Classification: Pathogenic for Retinitis pigmentosa 71; Short-rib thoracic dysplasia 10 with or without polydactyly. Last evaluated: 2025-05-06. Review status: criteria provided, single submitter. Criteria: Invitae Variant Classification Sherloc (09022015). Collection method: clinical testing. Allele origin: germline.
Comment: This sequence change creates a premature translational stop signal (p.Glu737*) in the IFT172 gene. It is expected to result in an absent or disrupted protein product. Loss-of-function variants in IFT172 are known to be pathogenic (PMID: 24140113). This variant is not present in population databases (gnomAD no frequency). This variant has not been reported in the literature in individuals affected with IFT172-related conditions. ClinVar contains an entry for this variant (Variation ID: 2937623). For these reasons, this variant has been classified as Pathogenic.

Literature cited by the submitters: PubMed 24140113 (cited by Labcorp Genetics (formerly Invitae), Labcorp).

NM_015662.3(IFT172):c.2209G>T (p.Glu737Ter)

Gene: IFT172 (intraflagellar transport 172; minus strand). Cytogenetic location: 2p23.3.
Variant type: single nucleotide variant.
Coding change: c.2209G>T on transcript NM_015662.3 (MANE Select); coding-DNA position 2209, G replaced by T.
Protein change: p.Glu737Ter; replaces glutamic acid 737 with a stop codon.
Molecular consequence: nonsense.
Genome position (GRCh38, 1-based): chr2:27,461,502, C>A on the plus strand (G>T on the coding strand, the complement: IFT172 is on the minus strand). VCF-style: chr2-27461502-C-A. GRCh37 (hg19) VCF-style: chr2-27684369-C-A.
Other names: c.2209G>T (NM_015662.2); c.2143G>T, p.Glu715Ter (NM_001410739.1); short protein forms E715*, E737*.
Identifiers: ClinVar variation 2937623 (VCV002937623.4), dbSNP rs2465878992, ClinGen allele CA346384743.